The following is an entry in ClinVar:

ClinVar aggregate classification (germline): Uncertain significance. Review status: criteria provided, multiple submitters, no conflicts (2 of 4 stars). 2 submissions from 2 submitters: Uncertain significance (2). Last evaluated 2025-12-16.

Conditions:
Inborn genetic diseases. Identifiers: MedGen C0950123, MeSH D030342.

Allele frequency attached by ClinVar (database versions not stated): TOPMed 0.00004; gnomAD 0.00002; ExAC 0.00003; gnomAD exomes 0.00003.
gnomAD v4.1: 47 of 1,610,178 alleles (0.0029%); highest among the groups gnomAD compares: Admixed American, 0.024%; no homozygotes.

Submissions (2):

Ambry Genetics
Classification: Uncertain significance for Inborn genetic diseases. Last evaluated: 2025-12-16. Review status: criteria provided, single submitter. Criteria: Ambry Variant Classification Scheme 2023. Collection method: clinical testing. Allele origin: germline.

Labcorp Genetics (formerly Invitae), Labcorp
Classification: Uncertain significance. Last evaluated: 2024-02-23. Review status: criteria provided, single submitter. Criteria: Invitae Variant Classification Sherloc (09022015). Collection method: clinical testing. Allele origin: germline.
Comment: This sequence change replaces valine, which is neutral and non-polar, with alanine, which is neutral and non-polar, at codon 1225 of the TUBGCP6 protein (p.Val1225Ala). This variant is present in population databases (rs773481416, gnomAD 0.03%). This variant has not been reported in the literature in individuals affected with TUBGCP6-related conditions. ClinVar contains an entry for this variant (Variation ID: 1007455). An algorithm developed to predict the effect of missense changes on protein structure and function (PolyPhen-2) suggests that this variant is likely to be tolerated. In summary, the available evidence is currently insufficient to determine the role of this variant in disease. Therefore, it has been classified as a Variant of Uncertain Significance.

NM_020461.4(TUBGCP6):c.3674T>C (p.Val1225Ala)

Gene: TUBGCP6 (tubulin gamma complex component 6; minus strand). Cytogenetic location: 22q13.33.
Variant type: single nucleotide variant.
Coding change: c.3674T>C on transcript NM_020461.4 (MANE Select); coding-DNA position 3674, T replaced by C.
Protein change: p.Val1225Ala; replaces valine 1225 with alanine.
Molecular consequence: missense variant.
Genome position (GRCh38, 1-based): chr22:50,220,685, A>G on the plus strand (T>C on the coding strand, the complement: TUBGCP6 is on the minus strand). VCF-style: chr22-50220685-A-G. GRCh37 (hg19) VCF-style: chr22-50659114-A-G.
Other names: c.3674T>C (NM_020461.3); short protein forms V1225A.
Identifiers: ClinVar variation 1007455 (VCV001007455.9), dbSNP rs773481416, ClinGen allele CA10307861.